The following is an entry in ClinVar:

NM_001083961.2(WDR62):c.2666T>C (p.Met889Thr)

Gene: WDR62 (WD repeat domain 62; plus strand). Cytogenetic location: 19q13.12.
Variant type: single nucleotide variant.
Coding change: c.2666T>C on transcript NM_001083961.2 (MANE Select); coding-DNA position 2666, T replaced by C.
Protein change: p.Met889Thr; replaces methionine 889 with threonine.
Molecular consequence: missense variant.
Genome position (GRCh38, 1-based): chr19:36,099,544, T>C. VCF-style: chr19-36099544-T-C. GRCh37 (hg19) VCF-style: chr19-36590446-T-C.
Other names: c.2666T>C, p.Met889Thr (NM_173636.5); short protein forms M889T.
Identifiers: ClinVar variation 195662 (VCV000195662.24), dbSNP rs139749569, ClinGen allele CA201880.

ClinVar aggregate classification (germline): Conflicting classifications of pathogenicity. Review status: criteria provided, conflicting classifications (1 of 4 stars). 7 submissions from 7 submitters: Uncertain significance (2); Benign (1); Likely benign (3). 1 of the submissions does not count toward it. Last evaluated 2025-10-13.

Conditions:
WDR62-related disorder. Also called: WDR62-related condition.
Microcephaly 2, primary, autosomal recessive, with or without cortical malformations. Also called: MICROCEPHALY 2, PRIMARY, AUTOSOMAL RECESSIVE, WITH CORTICAL MALFORMATIONS; WDR62 Primary Microcephaly. Identifiers: Orphanet 2512, MedGen C1858535, MONDO:0011435, OMIM 604317.

Allele frequency attached by ClinVar (database versions not stated): gnomAD exomes 0.00010 and 0.00033; ExAC 0.00051; 1000 Genomes Project 0.00120; 1000 Genomes Project 30x 0.00125; gnomAD 0.00125 and 0.00137; TOPMed 0.00133; ESP Exome Variant Server 0.00177.
gnomAD v4.1: 353 of 1,614,162 alleles (0.022%); highest among the groups gnomAD compares: African/African-American, 0.4%; 1 homozygote.

Submissions (7):

Labcorp Genetics (formerly Invitae), Labcorp
Classification: Benign. Last evaluated: 2025-10-13. Review status: criteria provided, single submitter. Criteria: Invitae Variant Classification Sherloc (09022015). Collection method: clinical testing. Allele origin: germline.

GeneDx
Classification: Likely benign. Last evaluated: 2021-01-27. Review status: criteria provided, single submitter. Criteria: GeneDx Variant Classification Process June 2021. Collection method: clinical testing. Allele origin: germline. Affected: yes.

Baylor Genetics
Classification: Uncertain significance for Microcephaly 2, primary, autosomal recessive, with or without cortical malformations. Last evaluated: 2019-01-07. Review status: criteria provided, single submitter. Criteria: ACMG Guidelines, 2015. Collection method: clinical testing. Allele origin: paternal. Affected: yes.
Comment: This variant was determined to be of uncertain significance according to ACMG Guidelines, 2015 [PMID:25741868].

Center for Pediatric Genomic Medicine, Children's Mercy Hospital and Clinics
Classification: Likely benign. Last evaluated: 2017-04-19. Review status: criteria provided, single submitter. Criteria: ACMG Guidelines, 2015. Collection method: clinical testing. Allele origin: germline.

Eurofins Ntd Llc (ga)
Classification: Likely benign. Last evaluated: 2015-05-28. Review status: criteria provided, single submitter. Criteria: EGL Classification Definitions 2015. Collection method: clinical testing. Allele origin: germline. Observed: 1 variant allele.

Genetic Services Laboratory, University of Chicago
Classification: Uncertain significance. Last evaluated: 2015-05-24. Review status: criteria provided, single submitter. Criteria: ACMG Guidelines, 2015. Collection method: clinical testing. Allele origin: germline.

PreventionGenetics, part of Exact Sciences
Classification: Likely benign for WDR62-related condition. Last evaluated: 2020-08-25. Review status: no assertion criteria provided. Collection method: clinical testing. Allele origin: germline. Not counted in ClinVar's aggregate classification.
Comment: This variant is classified as likely benign based on ACMG/AMP sequence variant interpretation guidelines (Richards et al. 2015 PMID: 25741868, with internal and published modifications).